The following is an entry in ClinVar:

ClinVar aggregate classification (germline): Likely benign. Review status: criteria provided, multiple submitters, no conflicts (2 of 4 stars). 2 submissions from 2 submitters: Likely benign (2). Last evaluated 2026-01-01.

Conditions:
Inborn genetic diseases. Identifiers: MedGen C0950123, MeSH D030342.

Allele frequency attached by ClinVar (database versions not stated): TOPMed 0.00012; ESP Exome Variant Server 0.00015; gnomAD 0.00017.
gnomAD v4.1: 223 of 1,613,876 alleles (0.014%); highest among the groups gnomAD compares: Middle Eastern, 0.016%; no homozygotes.

Submissions (2):

CeGaT Center for Human Genetics Tuebingen
Classification: Likely benign. Last evaluated: 2026-01-01. Review status: criteria provided, single submitter. Criteria: CeGaT Center For Human Genetics Tuebingen Variant Classification Criteria Version 2. Collection method: clinical testing. Allele origin: germline. Affected: yes. Observed: 2 variant alleles.
Comment: CDC42BPB: BP4

Ambry Genetics
Classification: Likely benign for Inborn genetic diseases. Last evaluated: 2022-11-03. Review status: criteria provided, single submitter. Criteria: Ambry Variant Classification Scheme 2023. Collection method: clinical testing. Allele origin: germline.

NM_006035.4(CDC42BPB):c.4595C>T (p.Ala1532Val)

Gene: CDC42BPB (CDC42 binding protein kinase beta; minus strand). Cytogenetic location: 14q32.32.
Variant type: single nucleotide variant.
Coding change: c.4595C>T on transcript NM_006035.4 (MANE Select); coding-DNA position 4595, C replaced by T.
Protein change: p.Ala1532Val; replaces alanine 1532 with valine.
Molecular consequence: missense variant.
Genome position (GRCh38, 1-based): chr14:102,939,944, G>A on the plus strand (C>T on the coding strand, the complement: CDC42BPB is on the minus strand). VCF-style: chr14-102939944-G-A. GRCh37 (hg19) VCF-style: chr14-103406281-G-A.
Other names: c.4517C>T, p.Ala1506Val (NM_001411054.1); short protein forms A1532V, A1506V.
Identifiers: ClinVar variation 2346723 (VCV002346723.15), dbSNP rs202016085, ClinGen allele CA7360364.